The following is an entry in ClinVar:

ClinVar aggregate classification (germline): Uncertain significance. Review status: criteria provided, multiple submitters, no conflicts (2 of 4 stars). 2 submissions from 2 submitters: Uncertain significance (2). Last evaluated 2025-04-17.

Submissions (2):

Labcorp Genetics (formerly Invitae), Labcorp
Classification: Uncertain significance. Last evaluated: 2025-04-17. Review status: criteria provided, single submitter. Criteria: Invitae Variant Classification Sherloc (09022015). Collection method: clinical testing. Allele origin: germline.
Comment: This sequence change replaces glutamic acid, which is acidic and polar, with aspartic acid, which is acidic and polar, at codon 29 of the HMCN1 protein (p.Glu29Asp). This variant is not present in population databases (gnomAD no frequency). This variant has not been reported in the literature in individuals affected with HMCN1-related conditions. ClinVar contains an entry for this variant (Variation ID: 3525891). An algorithm developed to predict the effect of missense changes on protein structure and function outputs the following: PolyPhen-2: "Benign". The aspartic acid amino acid residue is found in multiple mammalian species, which suggests that this missense change does not adversely affect protein function. In summary, the available evidence is currently insufficient to determine the role of this variant in disease. Therefore, it has been classified as a Variant of Uncertain Significance.

Ambry Genetics
Classification: Uncertain significance. Last evaluated: 2024-07-27. Review status: criteria provided, single submitter. Criteria: Ambry Variant Classification Scheme 2023. Collection method: clinical testing. Allele origin: germline.

NM_031935.3(HMCN1):c.87G>T (p.Glu29Asp)

Gene: HMCN1 (hemicentin 1; plus strand). Cytogenetic location: 1q25.3.
Variant type: single nucleotide variant.
Coding change: c.87G>T on transcript NM_031935.3 (MANE Select); coding-DNA position 87, G replaced by T.
Protein change: p.Glu29Asp; replaces glutamic acid 29 with aspartic acid.
Molecular consequence: missense variant.
Genome position (GRCh38, 1-based): chr1:185,734,866, G>T. VCF-style: chr1-185734866-G-T. GRCh37 (hg19) VCF-style: chr1-185703998-G-T.
Other names: short protein forms E29D.
Identifiers: ClinVar variation 3525891 (VCV003525891.3).